The following is an entry in ClinVar:

NM_183050.4(BCKDHB):c.949A>T (p.Lys317Ter)

Gene: BCKDHB (branched chain keto acid dehydrogenase E1 subunit beta; plus strand). Cytogenetic location: 6q14.1.
Variant type: single nucleotide variant.
Coding change: c.949A>T on transcript NM_183050.4 (MANE Select); coding-DNA position 949, A replaced by T.
Protein change: p.Lys317Ter; replaces lysine 317 with a stop codon.
Molecular consequence: nonsense. On other transcripts: non-coding transcript variant (1).
Genome position (GRCh38, 1-based): chr6:80,203,210, A>T. VCF-style: chr6-80203210-A-T. GRCh37 (hg19) VCF-style: chr6-80912927-A-T.
Other names: c.949A>T, p.Lys317Ter (NM_000056.5); c.739A>T, p.Lys247Ter (NM_001318975.1); short protein forms K247*, K317*.
Identifiers: ClinVar variation 1725025 (VCV001725025.2), dbSNP rs2482270092, ClinGen allele CA364660334.
Genomic context (GRCh38, chr6:80,203,210, plus strand): 5'-GTGTCTTGTGAAGTCATTGATCTGAGGACTATAATACCTTGGGATGTGGACACAATTTGT[A>T]AGGTATGAATATAATGGTGATAGAATGTCATTTCCCTGAAACCTTTGGCCAAATATGTTG-3'

ClinVar aggregate classification (germline): Likely pathogenic (1 of 4 stars; one submission).

Conditions:
Maple syrup urine disease (MSUD). Identifiers: Orphanet 511, MedGen C0024776, MeSH D008375, MONDO:0009563. Disease mechanism: loss of function.

Submission:

Myriad Genetics, Inc.
Classification: Likely pathogenic for Maple syrup urine disease type 1A. Last evaluated: 2022-03-05. Review status: criteria provided, single submitter. Criteria: Myriad Women's Health Autosomal Recessive and X-Linked Classification Criteria (2021). Collection method: clinical testing. Allele origin: unknown.
Comment: NM_183050.2(BCKDHB):c.949A>T(K317*) is expected to be pathogenic in the context of maple syrup urine disease type Ib. This variant is predicted to lead to an abnormal or absent protein product due to the creation of a premature termination codon in BCKDHB, a gene where loss-of-function variants are known to be pathogenic. Please note: this variant was assessed in the context of healthy population screening.